The following is an entry in ClinVar:

NM_000551.4(VHL):c.421A>G (p.Asn141Asp)

Genes: VHL (von Hippel-Lindau tumor suppressor; plus strand), LOC107303340 (3p25 von Hippel-Lindau tumor suppressor, E3 ubiquitin protein ligase Alu-mediated recombination region; plus strand). Cytogenetic location: 3p25.3.
Variant type: single nucleotide variant.
Coding change: c.421A>G on transcript NM_000551.4 (MANE Select); coding-DNA position 421, A replaced by G.
Protein change: p.Asn141Asp; replaces asparagine 141 with aspartic acid.
Molecular consequence: missense variant. On other transcripts: intron variant (2).
Genome position (GRCh38, 1-based): chr3:10,146,594, A>G. VCF-style: chr3-10146594-A-G. GRCh37 (hg19) VCF-style: chr3-10188278-A-G.
Other names: c.*18-3193A>G (NM_001354723.2); c.341-3193A>G (NM_198156.3); short protein forms N141D.
Identifiers: ClinVar variation 941460 (VCV000941460.10), dbSNP rs1696265107, ClinGen allele CA351754132.
Genomic context (GRCh38, chr3:10,146,594, plus strand): 5'-GATGCAGGGACACACGATGGGCTTCTGGTTAACCAAACTGAATTATTTGTGCCATCTCTC[A>G]ATGTTGACGGACAGCCTATTTTTGCCAATATCACACTGCCAGGTACTGACGTTTTACTTT-3'
Protein context (NP_000542.1, residues 131-151): NQTELFVPSL[Asn141Asp]VDGQPIFANI

ClinVar aggregate classification (germline): Uncertain significance (1 of 4 stars; one submission).

Conditions:
Von Hippel-Lindau syndrome (VHLS). Also called: VHL syndrome; Von Hippel-Lindau; von Hippel–Lindau syndrome. Identifiers: Orphanet 892, MedGen C0019562, MONDO:0008667, OMIM 193300. Disease mechanism: loss of function.
Chuvash polycythemia. Also called: POLYCYTHEMIA, VHL-DEPENDENT. Identifiers: Orphanet 238557, MedGen C1837915, MONDO:0009892, OMIM 263400.

Submission:

Labcorp Genetics (formerly Invitae), Labcorp
Classification: Uncertain significance for Von Hippel-Lindau syndrome; Chuvash polycythemia. Last evaluated: 2019-05-21. Review status: criteria provided, single submitter. Criteria: Invitae Variant Classification Sherloc (09022015). Collection method: clinical testing. Allele origin: germline.
Comment: In summary, the available evidence is currently insufficient to determine the role of this variant in disease. Therefore, it has been classified as a Variant of Uncertain Significance. Algorithms developed to predict the effect of missense changes on protein structure and function are either unavailable or do not agree on the potential impact of this missense change (SIFT: "Tolerated"; PolyPhen-2: "Probably Damaging"; Align-GVGD: "Class C0"). This variant has not been reported in the literature in individuals with VHL-related conditions. This variant is not present in population databases (ExAC no frequency). This sequence change replaces asparagine with aspartic acid at codon 141 of the VHL protein (p.Asn141Asp). The asparagine residue is moderately conserved and there is a small physicochemical difference between asparagine and aspartic acid.